The following is an entry in ClinVar:

NM_001916.5(CYC1):c.154G>A (p.Gly52Ser)

Gene: CYC1 (cytochrome c1; plus strand). Cytogenetic location: 8q24.3.
Variant type: single nucleotide variant.
Coding change: c.154G>A on transcript NM_001916.5 (MANE Select); coding-DNA position 154, G replaced by A.
Protein change: p.Gly52Ser; replaces glycine 52 with serine.
Molecular consequence: missense variant.
Genome position (GRCh38, 1-based): chr8:144,095,857, G>A. VCF-style: chr8-144095857-G-A. GRCh37 (hg19) VCF-style: chr8-145150760-G-A.
Other names: short protein forms G52S.
Identifiers: ClinVar variation 5016975 (VCV005016975.1).
Genomic context (GRCh38, chr8:144,095,857, plus strand): 5'-TGGTGTCCTGGCAGGCGCTGAGCGGAGATCTTGCAGGCAGTGGCCTTGTCGTCGAAGTCT[G>A]GCCTTTCCCGAGGCCGGAAAGTGATGCTGTCAGCGCTGGGCATGCTGGCGGCAGGGGGTG-3'
Protein context (NP_001907.3, residues 42-62): PQAVALSSKS[Gly52Ser]LSRGRKVMLS

ClinVar aggregate classification (germline): Uncertain significance (1 of 4 stars; one submission).

Submission:

GeneDx
Classification: Uncertain significance. Last evaluated: 2026-03-26. Review status: criteria provided, single submitter. Criteria: GeneDx Variant Classification Process June 2021. Collection method: clinical testing. Allele origin: germline.
Comment: In silico analysis suggests that this missense variant does not alter protein structure/function; Has not been previously published as pathogenic or benign to our knowledge